The following is an entry in ClinVar:

NM_000059.4(BRCA2):c.3677A>T (p.Lys1226Ile)

Gene: BRCA2 (BRCA2 DNA repair associated; plus strand). Cytogenetic location: 13q13.1.
Variant type: single nucleotide variant.
Coding change: c.3677A>T on transcript NM_000059.4 (MANE Select); coding-DNA position 3677, A replaced by T.
Protein change: p.Lys1226Ile; replaces lysine 1226 with isoleucine.
Molecular consequence: missense variant.
Genome position (GRCh38, 1-based): chr13:32,338,032, A>T. VCF-style: chr13-32338032-A-T. GRCh37 (hg19) VCF-style: chr13-32912169-A-T.
Other names: short protein forms K1226I.
Identifiers: ClinVar variation 51503 (VCV000051503.20), dbSNP rs80358612, ClinGen allele CA018539.

ClinVar aggregate classification (germline): Conflicting classifications of pathogenicity. Review status: criteria provided, conflicting classifications (1 of 4 stars). 6 submissions from 6 submitters: Uncertain significance (4); Likely benign (1). 1 of the submissions does not count toward it. Last evaluated 2025-11-21.

Conditions:
Hereditary cancer-predisposing syndrome. Also called: Neoplastic Syndromes, Hereditary; Tumor predisposition; Hereditary Cancer Syndrome; Hereditary neoplastic syndrome. Identifiers: Orphanet 140162, MedGen C0027672, MeSH D009386, MONDO:0015356.
Hereditary breast ovarian cancer syndrome. Also called: Hereditary breast and ovarian cancer syndrome; Hereditary breast and ovarian cancer; Hereditary breast and ovarian cancer syndrome (HBOC); Breast and ovarian cancer; Hereditary breast and/or ovarian cancer syndrome; BRCA1- and BRCA2-Associated Hereditary Breast and Ovarian Cancer. Identifiers: Orphanet 145, MedGen C0677776, MeSH D061325, MONDO:0003582. Disease mechanism: loss of function.
Breast-ovarian cancer, familial, susceptibility to, 2 (BROVCA2). Also called: BRCA2 Hereditary Breast and Ovarian Cancer. Identifiers: Orphanet 145, MedGen C2675520, MONDO:0012933, OMIM 612555. Disease mechanism: loss of function.

Allele frequency attached by ClinVar (database versions not stated): gnomAD exomes below 0.00001.
gnomAD v4.1: 2 of 1,612,202 alleles (0.00012%); highest among the groups gnomAD compares: Non-Finnish European, 0.00017%; no homozygotes.

Submissions (6):

Labcorp Genetics (formerly Invitae), Labcorp
Classification: Uncertain significance for Hereditary breast ovarian cancer syndrome. Last evaluated: 2025-11-21. Review status: criteria provided, single submitter. Criteria: Invitae Variant Classification Sherloc (09022015). Collection method: clinical testing. Allele origin: germline.
Comment: This sequence change replaces lysine, which is basic and polar, with isoleucine, which is neutral and non-polar, at codon 1226 of the BRCA2 protein (p.Lys1226Ile). This variant is not present in population databases (gnomAD no frequency). This variant has not been reported in the literature in individuals affected with BRCA2-related conditions. ClinVar contains an entry for this variant (Variation ID: 51503). Invitae Evidence Modeling of protein sequence and biophysical properties (such as structural, functional, and spatial information, amino acid conservation, physicochemical variation, residue mobility, and thermodynamic stability) indicates that this missense variant is not expected to disrupt BRCA2 protein function with a negative predictive value of 95%. In summary, the available evidence is currently insufficient to determine the role of this variant in disease. Therefore, it has been classified as a Variant of Uncertain Significance.

Color Diagnostics, LLC DBA Color Health
Classification: Uncertain significance for Hereditary cancer-predisposing syndrome. Last evaluated: 2025-07-24. Review status: criteria provided, single submitter. Criteria: ACMG Guidelines, 2015. Collection method: clinical testing. Allele origin: germline.
Comment: This missense variant replaces lysine with isoleucine at codon 1226 of the BRCA2 protein. Computational prediction is inconclusive regarding the impact of this variant on protein structure and function. To our knowledge, functional studies have not been reported for this variant. A multifactorial analysis has reached a combined likelihood ratio (LR) of 0.557 based on reported LR for co-occurrence with a pathogenic variant and family history (PMID: 31131967). This variant has not been identified in the general population by the Genome Aggregation Database (gnomAD). The available evidence is insufficient to determine the role of this variant in disease conclusively. Therefore, this variant is classified as a Variant of Uncertain Significance.

Ambry Genetics
Classification: Uncertain significance for Hereditary cancer-predisposing syndrome. Last evaluated: 2025-07-01. Review status: criteria provided, single submitter. Criteria: Ambry Variant Classification Scheme 2023. Collection method: clinical testing. Allele origin: germline.
Comment: The p.K1226I variant (also known as c.3677A>T), located in coding exon 10 of the BRCA2 gene, results from an A to T substitution at nucleotide position 3677. The lysine at codon 1226 is replaced by isoleucine, an amino acid with dissimilar properties. This amino acid position is well conserved in available vertebrate species. In addition, the in silico prediction for this alteration is inconclusive. Since supporting evidence is limited at this time, the clinical significance of this alteration remains unclear.

University of Washington Department of Laboratory Medicine, University of Washington
Classification: Likely benign for Hereditary cancer-predisposing syndrome. Last evaluated: 2023-03-23. Review status: criteria provided, single submitter. Criteria: Dines et al. (Genet Med. 2020). Collection method: curation. Allele origin: germline.
Comment: Missense variant in a coldspot region where missense variants are very unlikely to be pathogenic (PMID:31911673).

BRCA2 exon 11 coldspot. Reclassification based on statistical prior probability.

Institute for Biomarker Research, Medical Diagnostic Laboratories, L.L.C.
Classification: Uncertain significance for Hereditary breast ovarian cancer syndrome. Last evaluated: 2022-12-08. Review status: criteria provided, single submitter. Criteria: ACMG Guidelines, 2015. Collection method: clinical testing. Allele origin: germline.

Breast Cancer Information Core (BIC) (BRCA2)
Classification: Uncertain significance for Breast-ovarian cancer, familial 2. Last evaluated: 2003-12-23. Review status: no assertion criteria provided. Collection method: clinical testing. Allele origin: germline. Affected: yes. Observed: 1 variant allele. Not counted in ClinVar's aggregate classification.

Literature cited by the submitters: PubMed 31131967 (cited by Color Diagnostics, LLC DBA Color Health).